The following is an entry in ClinVar:

ClinVar aggregate classification (germline): Likely benign (1 of 4 stars; one submission).

Submission:

CeGaT Center for Human Genetics Tuebingen
Classification: Likely benign. Last evaluated: 2022-05-01. Review status: criteria provided, single submitter. Criteria: CeGaT Center For Human Genetics Tuebingen Variant Classification Criteria Version 2. Collection method: clinical testing. Allele origin: germline. Affected: yes. Observed: 1 variant allele.
Comment: CYP1B1: PM2:Supporting, BP4, BP7

NM_000104.4(CYP1B1):c.492A>G (p.Gln164=)

Gene: CYP1B1 (cytochrome P450 family 1 subfamily B member 1; minus strand). Cytogenetic location: 2p22.2.
Variant type: single nucleotide variant.
Coding change: c.492A>G on transcript NM_000104.4 (MANE Select); coding-DNA position 492, A replaced by G.
Protein change: p.Gln164=; no amino-acid change (glutamine 164 retained).
Molecular consequence: synonymous variant.
Genome position (GRCh38, 1-based): chr2:38,074,897, T>C on the plus strand (A>G on the coding strand, the complement: CYP1B1 is on the minus strand). VCF-style: chr2-38074897-T-C. GRCh37 (hg19) VCF-style: chr2-38302040-T-C.
Identifiers: ClinVar variation 2650838 (VCV002650838.24), dbSNP rs1224284123, ClinGen allele CA425865197.